The following is an entry in ClinVar:

NM_024334.3(TMEM43):c.437C>G (p.Ser146Cys)

Gene: TMEM43 (transmembrane protein 43; plus strand). Cytogenetic location: 3p25.1.
Variant type: single nucleotide variant.
Coding change: c.437C>G on transcript NM_024334.3 (MANE Select); coding-DNA position 437, C replaced by G.
Protein change: p.Ser146Cys; replaces serine 146 with cysteine.
Molecular consequence: missense variant.
Genome position (GRCh38, 1-based): chr3:14,132,590, C>G. VCF-style: chr3-14132590-C-G. GRCh37 (hg19) VCF-style: chr3-14174090-C-G.
Other names: c.437C>G, p.Ser146Cys (NM_001407274.1, NM_001407275.1, NM_001407276.1 and 2 more transcripts); c.422C>G, p.Ser141Cys (NM_001407278.1); c.287C>G, p.Ser96Cys (NM_001407280.1); short protein forms S141C, S146C, S96C.
Identifiers: ClinVar variation 3708544 (VCV003708544.2).
Genomic context (GRCh38, chr3:14,132,590, plus strand): 5'-TTTGCTTTCCCTGCAGGGAGTACACCGAGGATGGGCAGGTGAAGAAGGAGACGAGGTATT[C>G]CTACAGTGAGTGCTGGGCCCCTTACGTGGTCTCTGCCCATGGTGGGGGCCCACAGTGGTG-3'
Protein context (NP_077310.1, residues 136-156): DGQVKKETRY[Ser146Cys]YNTEWRSEII

ClinVar aggregate classification (germline): Uncertain significance (1 of 4 stars; one submission).

Conditions:
Arrhythmogenic right ventricular dysplasia 5. Also called: ARRHYTHMOGENIC RIGHT VENTRICULAR DYSPLASIA, FAMILIAL, 5; Arrhythmogenic Right Ventricular Dysplasia/Cardiomyopathy 5. Identifiers: MedGen C1858379, MONDO:0011459, OMIM 604400.

Submission:

Labcorp Genetics (formerly Invitae), Labcorp
Classification: Uncertain significance for Arrhythmogenic right ventricular dysplasia 5. Last evaluated: 2025-01-01. Review status: criteria provided, single submitter. Criteria: Invitae Variant Classification Sherloc (09022015). Collection method: clinical testing. Allele origin: germline.
Comment: This sequence change replaces serine, which is neutral and polar, with cysteine, which is neutral and slightly polar, at codon 146 of the TMEM43 protein (p.Ser146Cys). This variant is not present in population databases (gnomAD no frequency). This variant has not been reported in the literature in individuals affected with TMEM43-related conditions. Invitae Evidence Modeling of protein sequence and biophysical properties (such as structural, functional, and spatial information, amino acid conservation, physicochemical variation, residue mobility, and thermodynamic stability) indicates that this missense variant is expected to disrupt TMEM43 protein function with a positive predictive value of 80%. In summary, the available evidence is currently insufficient to determine the role of this variant in disease. Therefore, it has been classified as a Variant of Uncertain Significance.